The following is an entry in ClinVar:

ClinVar aggregate classification (germline): Pathogenic/Likely pathogenic. Review status: criteria provided, multiple submitters, no conflicts (2 of 4 stars). 4 submissions from 4 submitters: Pathogenic (3); Likely pathogenic (1). Last evaluated 2025-08-18.

Conditions:
Joubert syndrome 3 (JBTS3). Also called: AHI1-related Ciliopathy. Identifiers: Orphanet 220493, MedGen C1837713, MONDO:0012078, OMIM 608629.

gnomAD v4.1: 2 of 1,610,988 alleles (0.00012%); highest among the groups gnomAD compares: Non-Finnish European, 0.00017%; no homozygotes.

Submissions (4):

3billion
Classification: Pathogenic for Joubert syndrome 3. Last evaluated: 2025-08-18. Review status: criteria provided, single submitter. Criteria: ACMG Guidelines, 2015. Collection method: clinical testing. Allele origin: germline. Affected: yes.
Comment: The variant is observed at an extremely low frequency in the gnomAD v4.1.0 dataset (total allele frequency: <0.001%). Predicted Consequence/Location: Stop-gained (nonsense): predicted to result in a loss or disruption of normal protein function through nonsense-mediated decay (NMD) or protein truncation. Multiple pathogenic variants are reported downstream of the variant. The variant has been reported to be in trans with a pathogenic variant as either compound heterozygous or homozygous in at least one similarly affected unrelated individual (PMID: 29987673). The variant has been reported to be associated with AHI1-related disorder (ClinVar ID: VCV003593157 /PMID: 29987673). Therefore, this variant is classified as Pathogenic according to the recommendation of ACMG/AMP guideline.

Myriad Genetics, Inc.
Classification: Pathogenic for Joubert syndrome 3. Last evaluated: 2025-07-05. Review status: criteria provided, single submitter. Criteria: Myriad Autosomal Dominant, Autosomal Recessive and X-Linked Classification Criteria (2023). Collection method: clinical testing. Allele origin: unknown.
Comment: NM_001134831.1(AHI1):c.1550G>A(W517*) is expected to be pathogenic in the context of Joubert syndrome, AHI1-related. This variant is predicted to lead to an abnormal or absent protein product due to the creation of a premature termination codon in AHI1, a gene where loss-of-function variants are known to be pathogenic. Please note: this variant was assessed in the context of healthy population screening.

Dasa
Classification: Likely pathogenic. Last evaluated: 2025-05-27. Review status: criteria provided, single submitter. Criteria: DASA Assertion Criteria. Collection method: clinical testing. Allele origin: germline.
Comment: NM_001134831.2(AHI1):c.1550G>A (p.Trp517*) is a nonsense variant in AHI1 predicted to introduce a premature termination codon and is predicted to result in an absent or altered protein product. Loss of function is an established disease mechanism for AHI1-associated disorders. Also, this variant is rare in population databases. Based on the currently available evidence, this variant is classified as likely pathogenic.

Fulgent Genetics
Classification: Pathogenic for Joubert syndrome 3. Last evaluated: 2024-03-20. Review status: criteria provided, single submitter. Criteria: ACMG Guidelines, 2015. Collection method: clinical testing. Allele origin: germline.

Literature cited by the submitters: PubMed 29987673 (cited by 3billion).

NM_001134831.2(AHI1):c.1550G>A (p.Trp517Ter)

Gene: AHI1 (Abelson helper integration site 1; minus strand). Cytogenetic location: 6q23.3.
Variant type: single nucleotide variant.
Coding change: c.1550G>A on transcript NM_001134831.2 (MANE Select); coding-DNA position 1550, G replaced by A.
Protein change: p.Trp517Ter; replaces tryptophan 517 with a stop codon.
Molecular consequence: nonsense.
Genome position (GRCh38, 1-based): chr6:135,448,366, C>T on the plus strand (G>A on the coding strand, the complement: AHI1 is on the minus strand). VCF-style: chr6-135448366-C-T. GRCh37 (hg19) VCF-style: chr6-135769504-C-T.
Other names: c.1550G>A (NM_017651.4); c.1550G>A, p.Trp517Ter (NM_001134830.2, NM_001134832.2, NM_001350503.2 and 2 more transcripts); short protein forms W517*.
Identifiers: ClinVar variation 3593157 (VCV003593157.5).